The following is an entry in ClinVar:

NM_138927.4(SON):c.5863C>T (p.Arg1955Cys)

Gene: SON (SON DNA and RNA binding protein; plus strand). Cytogenetic location: 21q22.11.
Variant type: single nucleotide variant.
Coding change: c.5863C>T on transcript NM_138927.4 (MANE Select); coding-DNA position 5863, C replaced by T.
Protein change: p.Arg1955Cys; replaces arginine 1955 with cysteine.
Molecular consequence: missense variant. On other transcripts: non-coding transcript variant (1), intron variant (1).
Genome position (GRCh38, 1-based): chr21:33,555,094, C>T. VCF-style: chr21-33555094-C-T. GRCh37 (hg19) VCF-style: chr21-34927400-C-T.
Other names: c.5863C>T, p.Arg1955Cys (NM_001291411.2, NM_001412133.1, NM_032195.3 and 2 more transcripts); c.245-2062C>T (NM_001291412.3); short protein forms R1955C.
Identifiers: ClinVar variation 2971309 (VCV002971309.3), dbSNP rs760723171, ClinGen allele CA10009821.

ClinVar aggregate classification (germline): Uncertain significance (1 of 4 stars; one submission).

Allele frequency attached by ClinVar (database versions not stated): gnomAD exomes below 0.00001; TOPMed 0.00001; gnomAD 0.00002; ExAC 0.00003.

Submission:

Labcorp Genetics (formerly Invitae), Labcorp
Classification: Uncertain significance. Last evaluated: 2023-11-27. Review status: criteria provided, single submitter. Criteria: Invitae Variant Classification Sherloc (09022015). Collection method: clinical testing. Allele origin: germline.
Comment: This sequence change replaces arginine, which is basic and polar, with cysteine, which is neutral and slightly polar, at codon 1955 of the SON protein (p.Arg1955Cys). This variant is present in population databases (rs760723171, gnomAD 0.007%). This variant has not been reported in the literature in individuals affected with SON-related conditions. Experimental studies and prediction algorithms are not available or were not evaluated, and the functional significance of this variant is currently unknown. In summary, the available evidence is currently insufficient to determine the role of this variant in disease. Therefore, it has been classified as a Variant of Uncertain Significance.